The following is an entry in ClinVar:

ClinVar aggregate classification (germline): Likely benign (1 of 4 stars; one submission).

Conditions:
UGT1A1-related disorder. Also called: UGT1A1-related disorders; UGT1A1-related condition.

gnomAD v4.1: 3 of 1,608,014 alleles (0.00019%); highest among the groups gnomAD compares: Admixed American, 0.005%; no homozygotes.

Submission:

PreventionGenetics, part of Exact Sciences
Classification: Likely benign for UGT1A1-related condition. Last evaluated: 2026-03-03. Review status: criteria provided, single submitter. Criteria: ACMG Guidelines, 2015. Collection method: clinical testing. Allele origin: germline.
Comment: This variant is classified as likely benign based on ACMG/AMP sequence variant interpretation guidelines (Richards et al. 2015 PMID: 25741868, with internal and published modifications).

NC_000002.12:g.233760243T>C

Genes: UGT1A (UDP glucuronosyltransferase family 1 member A complex locus; plus strand), UGT1A1 (UDP glucuronosyltransferase family 1 member A1; plus strand), UGT1A10 (UDP glucuronosyltransferase family 1 member A10; plus strand), UGT1A3 (UDP glucuronosyltransferase family 1 member A3; plus strand), UGT1A4 (UDP glucuronosyltransferase family 1 member A4; plus strand) and 5 more. Cytogenetic location: 2q37.1.
Variant type: single nucleotide variant.
Molecular consequence: intron variant (on NM_019076.5).
Genome position: GRCh38 VCF-style: chr2-233760243-T-C. GRCh37 (hg19) VCF-style: chr2-234668889-T-C.
Other names: c.856-6791T>C (NM_019076.5, NM_019075.4, NM_021027.3 and 1 more transcripts); c.61-6791T>C (NM_205862.3); c.862-6791T>C (NM_001072.4); c.868-6791T>C (NM_019078.2, NM_007120.3, NM_019093.4).
Identifiers: ClinVar variation 4988783 (VCV004988783.1).